The following is an entry in ClinVar:

ClinVar aggregate classification (germline): Benign. Review status: criteria provided, multiple submitters, no conflicts (2 of 4 stars). 2 submissions from 2 submitters: Benign (2). Last evaluated 2018-06-13.

Allele frequency attached by ClinVar (database versions not stated): 1000 Genomes Project 30x 0.99563; 1000 Genomes Project 0.99601; TOPMed 0.99734; gnomAD 0.99751 and 0.99765; gnomAD exomes 0.99976.
gnomAD v4.1: 1,499,009 of 1,499,704 alleles (100%); highest among the groups gnomAD compares: East Asian, 100%; 749,160 homozygotes.

Submissions (2):

GeneDx
Classification: Benign. Last evaluated: 2018-06-13. Review status: criteria provided, single submitter. Criteria: GeneDx Variant Classification (06012015). Collection method: clinical testing. Allele origin: germline. Affected: yes.
Comment: This variant is considered likely benign or benign based on one or more of the following criteria: it is a conservative change, it occurs at a poorly conserved position in the protein, it is predicted to be benign by multiple in silico algorithms, and/or has population frequency not consistent with disease.

Breakthrough Genomics
Classification: Benign. Review status: criteria provided, single submitter. Criteria: ACMG Guidelines, 2015. Collection method: not provided. Allele origin: germline. Inheritance: Autosomal dominant inheritance. Affected: yes.

NM_024422.6(DSC2):c.1663+89A>G

Gene: DSC2 (desmocollin 2; minus strand). Cytogenetic location: 18q12.1.
Variant type: single nucleotide variant.
Coding change: c.1663+89A>G on transcript NM_024422.6 (MANE Select); 89 bases into the intron after coding-DNA position 1663, A replaced by G.
Molecular consequence: intron variant.
Genome position (GRCh38, 1-based): chr18:31,079,758, T>C on the plus strand (A>G on the coding strand, the complement: DSC2 is on the minus strand). VCF-style: chr18-31079758-T-C. GRCh37 (hg19) VCF-style: chr18-28659724-T-C.
Other names: c.1663+89A>G (NM_004949.5).
Identifiers: ClinVar variation 672125 (VCV000672125.2), dbSNP rs1658128, ClinGen allele CA297636895.